The following is an entry in ClinVar:

ClinVar aggregate classification (germline): Uncertain significance (1 of 4 stars; one submission).

Conditions:
Holoprosencephaly 3 (HPE3). Identifiers: Orphanet 2162, MedGen C1840529, MONDO:0007733, OMIM 142945.

Submission:

Labcorp Genetics (formerly Invitae), Labcorp
Classification: Uncertain significance for Holoprosencephaly 3. Last evaluated: 2023-04-21. Review status: criteria provided, single submitter. Criteria: Invitae Variant Classification Sherloc (09022015). Collection method: clinical testing. Allele origin: germline.
Comment: This variant occurs in a non-coding region of the SHH gene. It does not change the encoded amino acid sequence of the SHH protein. In summary, the available evidence is currently insufficient to determine the role of this variant in disease. Therefore, it has been classified as a Variant of Uncertain Significance. Experimental studies and prediction algorithms are not available or were not evaluated, and the functional significance of this variant is currently unknown. This variant has not been reported in the literature in individuals affected with SHH-related conditions. This variant is not present in population databases (gnomAD no frequency).

NC_000007.14:g.156789649C>T

Genes: LMBR1 (limb development membrane protein 1; minus strand), SHH (sonic hedgehog signaling molecule; minus strand). Cytogenetic location: 7q36.3.
Variant type: single nucleotide variant.
Molecular consequence: intron variant (on NM_022458.4).
Genome position: GRCh38 VCF-style: chr7-156789649-C-T. GRCh37 (hg19) VCF-style: chr7-156582343-C-T.
Other names: c.360+6740G>A (NM_001363412.2); c.144+6740G>A (NM_001350954.2); c.423+6740G>A (NM_001363410.2, NM_022458.4, NM_001363409.2 and 1 more transcripts); c.-112+6740G>A (NM_001350958.2, NM_001350956.2, NM_001350955.2 and 1 more transcripts); c.54+6740G>A (NM_001350957.2, NM_001363411.2).
Identifiers: ClinVar variation 2879963 (VCV002879963.3), dbSNP rs1828845158, ClinGen allele CA1755265208.